The following is an entry in ClinVar:

ClinVar aggregate classification (germline): Likely pathogenic (1 of 4 stars; one submission).

Conditions:
Glycogen storage disease IXa1. Also called: GLYCOGEN STORAGE DISEASE VIII; GSD VIII; Glycogen storage disease 8; LIVER GLYCOGENOSIS, X-LINKED, TYPE I. Identifiers: Orphanet 264580, MedGen C3694531, MONDO:0010598, OMIM 306000.

gnomAD v4.1: 2 of 1,186,063 alleles (0.00017%); highest among the groups gnomAD compares: Admixed American, 0.0022%; no homozygotes.

Submission:

Labcorp Genetics (formerly Invitae), Labcorp
Classification: Likely pathogenic for Glycogen storage disease IXa1. Last evaluated: 2022-02-20. Review status: criteria provided, single submitter. Criteria: Invitae Variant Classification Sherloc (09022015). Collection method: clinical testing. Allele origin: germline.
Comment: This variant is not present in population databases (gnomAD no frequency). This sequence change affects a donor splice site in intron 11 of the PHKA2 gene. It is expected to disrupt RNA splicing. Variants that disrupt the donor or acceptor splice site typically lead to a loss of protein function (PMID: 16199547), and loss-of-function variants in PHKA2 are known to be pathogenic (PMID: 7711737, 10330341). This variant has not been reported in the literature in individuals affected with PHKA2-related conditions. Algorithms developed to predict the effect of sequence changes on RNA splicing suggest that this variant may disrupt the consensus splice site. In summary, the currently available evidence indicates that the variant is pathogenic, but additional data are needed to prove that conclusively. Therefore, this variant has been classified as Likely Pathogenic.

Literature cited by the submitters: PubMed 16199547; PubMed 7711737; PubMed 10330341.

NM_000292.3(PHKA2):c.1137+2T>C

Gene: PHKA2 (phosphorylase kinase regulatory subunit alpha 2; minus strand). Cytogenetic location: Xp22.13.
Variant type: single nucleotide variant.
Coding change: c.1137+2T>C on transcript NM_000292.3 (MANE Select); the canonical splice donor site of the intron after coding-DNA position 1137, T replaced by C.
Molecular consequence: splice donor variant.
Genome position (GRCh38, 1-based): chrX:18,936,053, A>G on the plus strand (T>C on the coding strand, the complement: PHKA2 is on the minus strand). VCF-style: chrX-18936053-A-G. GRCh37 (hg19) VCF-style: chrX-18954171-A-G.
Identifiers: ClinVar variation 1490067 (VCV001490067.8), dbSNP rs2147946477, ClinGen allele CA412395299.
Genomic context (GRCh38, chrX:18,936,053, plus strand): 5'-CCAAGCAATGAGTCACTTATTTCTAGATAAGCGGTGCAAAGGGCCCTCTGCCACTGGGTT[A>G]CCTTGTTAGGCGGGACAGCGTAGAGTTCAGGCACCAGGCGGATCCCATTCTTGCCTCTGA-3'